The following is an entry in ClinVar:

ClinVar aggregate classification (germline): Pathogenic (1 of 4 stars; one submission).

gnomAD v4.1: 5 of 1,613,320 alleles (0.00031%); highest among the groups gnomAD compares: Middle Eastern, 0.017%; no homozygotes.

Submission:

Labcorp Genetics (formerly Invitae), Labcorp
Classification: Pathogenic. Last evaluated: 2024-02-27. Review status: criteria provided, single submitter. Criteria: Invitae Variant Classification Sherloc (09022015). Collection method: clinical testing. Allele origin: germline.
Comment: This sequence change creates a premature translational stop signal (p.Arg181*) in the ABCA12 gene. It is expected to result in an absent or disrupted protein product. Loss-of-function variants in ABCA12 are known to be pathogenic (PMID: 20672373). This variant is present in population databases (rs758756716, gnomAD 0.003%). This premature translational stop signal has been observed in individual(s) with ABCA12-related conditions (PMID: 34082764). For these reasons, this variant has been classified as Pathogenic.

Literature cited by the submitters: PubMed 20672373; PubMed 34082764.

NM_173076.3(ABCA12):c.541C>T (p.Arg181Ter)

Gene: ABCA12 (ATP binding cassette subfamily A member 12; minus strand). Cytogenetic location: 2q35.
Variant type: single nucleotide variant.
Coding change: c.541C>T on transcript NM_173076.3 (MANE Select); coding-DNA position 541, C replaced by T.
Protein change: p.Arg181Ter; replaces arginine 181 with a stop codon.
Molecular consequence: nonsense. On other transcripts: non-coding transcript variant (1).
Genome position (GRCh38, 1-based): chr2:215,049,778, G>A on the plus strand (C>T on the coding strand, the complement: ABCA12 is on the minus strand). VCF-style: chr2-215049778-G-A. GRCh37 (hg19) VCF-style: chr2-215914502-G-A.
Other names: short protein forms R181*.
Identifiers: ClinVar variation 2901982 (VCV002901982.3), dbSNP rs758756716, ClinGen allele CA2092499.